The following is an entry in ClinVar:

ClinVar aggregate classification (germline): Uncertain significance (1 of 4 stars; one submission).

Conditions:
ALG12-congenital disorder of glycosylation (CDG1G). Also called: Congenital disorder of glycosylation, type Ig; ALG12-CDG; CDG Ig. Identifiers: Orphanet 79324, MedGen C2931001, MONDO:0011783, OMIM 607143.

Allele frequency attached by ClinVar (database versions not stated): gnomAD exomes below 0.00001 and 0.00001; TOPMed below 0.00001.
gnomAD v4.1: 3 of 1,614,096 alleles (0.00019%); highest among the groups gnomAD compares: Non-Finnish European, 0.00017%; no homozygotes.

Submission:

Labcorp Genetics (formerly Invitae), Labcorp
Classification: Uncertain significance for ALG12-congenital disorder of glycosylation. Last evaluated: 2021-08-31. Review status: criteria provided, single submitter. Criteria: Invitae Variant Classification Sherloc (09022015). Collection method: clinical testing. Allele origin: germline.
Comment: This sequence change replaces phenylalanine with leucine at codon 130 of the ALG12 protein (p.Phe130Leu). The phenylalanine residue is highly conserved and there is a small physicochemical difference between phenylalanine and leucine. This variant is not present in population databases (ExAC no frequency). This variant has not been reported in the literature in individuals affected with ALG12-related conditions. Algorithms developed to predict the effect of missense changes on protein structure and function (SIFT, PolyPhen-2, Align-GVGD) all suggest that this variant is likely to be tolerated. In summary, the available evidence is currently insufficient to determine the role of this variant in disease. Therefore, it has been classified as a Variant of Uncertain Significance.

NM_024105.4(ALG12):c.390C>G (p.Phe130Leu)

Gene: ALG12 (ALG12 alpha-1,6-mannosyltransferase; minus strand). Cytogenetic location: 22q13.33.
Variant type: single nucleotide variant.
Coding change: c.390C>G on transcript NM_024105.4 (MANE Select); coding-DNA position 390, C replaced by G.
Protein change: p.Phe130Leu; replaces phenylalanine 130 with leucine.
Molecular consequence: missense variant.
Genome position (GRCh38, 1-based): chr22:49,910,513, G>C on the plus strand (C>G on the coding strand, the complement: ALG12 is on the minus strand). VCF-style: chr22-49910513-G-C. GRCh37 (hg19) VCF-style: chr22-50304161-G-C.
Other names: short protein forms F130L.
Identifiers: ClinVar variation 1350489 (VCV001350489.5), dbSNP rs1010347575, ClinGen allele CA325431467.